The following is an entry in ClinVar:

ClinVar aggregate classification (germline): Uncertain significance. Review status: criteria provided, multiple submitters, no conflicts (2 of 4 stars). 2 submissions from 2 submitters: Uncertain significance (2). Last evaluated 2025-07-06.

Conditions:
Familial adenomatous polyposis 1 (FAP1). Also called: FAMILIAL ADENOMATOUS POLYPOSIS 1, ATTENUATED; POLYPOSIS, ADENOMATOUS INTESTINAL. Identifiers: MedGen C2713442, MONDO:0021056, OMIM 175100. Disease mechanism: loss of function.
Hereditary cancer-predisposing syndrome. Also called: Neoplastic Syndromes, Hereditary; Tumor predisposition; Hereditary Cancer Syndrome; Hereditary neoplastic syndrome. Identifiers: Orphanet 140162, MedGen C0027672, MeSH D009386, MONDO:0015356.

Allele frequency attached by ClinVar (database versions not stated): gnomAD exomes below 0.00001; TOPMed below 0.00001; gnomAD 0.00001.

Submissions (2):

Ambry Genetics
Classification: Uncertain significance for Hereditary cancer-predisposing syndrome. Last evaluated: 2025-07-06. Review status: criteria provided, single submitter. Criteria: Ambry Variant Classification Scheme 2023. Collection method: clinical testing. Allele origin: germline.
Comment: The p.Q163H variant (also known as c.489G>C), located in coding exon 4 of the APC gene, results from a G to C substitution at nucleotide position 489. The glutamine at codon 163 is replaced by histidine, an amino acid with highly similar properties. Missense alterations in APC are not a common cause of disease (Spier I et al. Genet Med. 2024 Feb;26(2):100992). This amino acid position is highly conserved in available vertebrate species. In addition, in silico predictors for this gene do not accurately predict pathogenicity. Based on the available evidence, the clinical significance of this variant remains unclear.

Labcorp Genetics (formerly Invitae), Labcorp
Classification: Uncertain significance for Familial adenomatous polyposis 1. Last evaluated: 2021-12-25. Review status: criteria provided, single submitter. Criteria: Invitae Variant Classification Sherloc (09022015). Collection method: clinical testing. Allele origin: germline.
Comment: In summary, the available evidence is currently insufficient to determine the role of this variant in disease. Therefore, it has been classified as a Variant of Uncertain Significance. Algorithms developed to predict the effect of missense changes on protein structure and function are either unavailable or do not agree on the potential impact of this missense change (SIFT: "Deleterious"; PolyPhen-2: "Probably Damaging"; Align-GVGD: "Class C0"). ClinVar contains an entry for this variant (Variation ID: 233897). This variant has not been reported in the literature in individuals affected with APC-related conditions. This variant is not present in population databases (gnomAD no frequency). This sequence change replaces glutamine, which is neutral and polar, with histidine, which is basic and polar, at codon 163 of the APC protein (p.Gln163His).

NM_000038.6(APC):c.489G>C (p.Gln163His)

Gene: APC (APC regulator of Wnt signaling pathway; plus strand). Cytogenetic location: 5q22.2.
Variant type: single nucleotide variant.
Coding change: c.489G>C on transcript NM_000038.6 (MANE Select); coding-DNA position 489, G replaced by C.
Protein change: p.Gln163His; replaces glutamine 163 with histidine.
Molecular consequence: missense variant. On other transcripts: 5 prime UTR variant (1).
Genome position (GRCh38, 1-based): chr5:112,775,695, G>C. VCF-style: chr5-112775695-G-C. GRCh37 (hg19) VCF-style: chr5-112111392-G-C.
Other names: c.489G>C, p.Gln163His (NM_001127510.3, NM_001354895.2, NM_001354896.2 and 2 more transcripts); c.519G>C, p.Gln173His (NM_001127511.3, NM_001354897.2, NM_001354902.2); c.414G>C, p.Gln138His (NM_001354898.2, NM_001354904.2); c.312G>C, p.Gln104His (NM_001354900.2, NM_001354901.2, NM_001354905.2); c.-547G>C (NM_001354906.2); short protein forms Q163H, Q173H, Q104H, Q138H.
Identifiers: ClinVar variation 233897 (VCV000233897.12), dbSNP rs876660717, ClinGen allele CA10578294.